The following is an entry in ClinVar:

NM_021067.5(GINS1):c.67G>A (p.Ala23Thr)

Genes: GINS1 (GINS complex subunit 1; plus strand), LOC130065587 (ATAC-STARR-seq lymphoblastoid active region 17669; plus strand). Cytogenetic location: 20p11.21.
Variant type: single nucleotide variant.
Coding change: c.67G>A on transcript NM_021067.5 (MANE Select); coding-DNA position 67, G replaced by A.
Protein change: p.Ala23Thr; replaces alanine 23 with threonine.
Molecular consequence: missense variant. On other transcripts: non-coding transcript variant (1).
Genome position (GRCh38, 1-based): chr20:25,407,887, G>A. VCF-style: chr20-25407887-G-A. GRCh37 (hg19) VCF-style: chr20-25388523-G-A.
Other names: c.67G>A, p.Ala23Thr (NM_001410830.1, NM_001410831.1); c.67G>A (NM_021067.3); short protein forms A23T.
Identifiers: ClinVar variation 2955428 (VCV002955428.4), dbSNP rs775522019, ClinGen allele CA9796377.
Genomic context (GRCh38, chr20:25,407,887, plus strand): 5'-TGCGAAAAAGCCATGGAACTGATCCGCGAGCTGCATCGCGCGCCCGAAGGGCAACTGCCT[G>A]CCTTCAACGTGAGGGGCGGGTAGACTTGGACGGGGCATGCCGGCGTTGGGCCCTGGGCTC-3'
Protein context (NP_066545.3, residues 13-33): LHRAPEGQLP[Ala23Thr]FNEDGLRQVL

ClinVar aggregate classification (germline): Uncertain significance. Review status: criteria provided, multiple submitters, no conflicts (2 of 4 stars). 2 submissions from 2 submitters: Uncertain significance (2). Last evaluated 2025-10-13.

Allele frequency attached by ClinVar (database versions not stated): gnomAD 0.00002; gnomAD exomes 0.00002; TOPMed 0.00002; ExAC 0.00003.

Submissions (2):

Labcorp Genetics (formerly Invitae), Labcorp
Classification: Uncertain significance. Last evaluated: 2025-10-13. Review status: criteria provided, single submitter. Criteria: Invitae Variant Classification Sherloc (09022015). Collection method: clinical testing. Allele origin: germline.
Comment: This sequence change replaces alanine, which is neutral and non-polar, with threonine, which is neutral and polar, at codon 23 of the GINS1 protein (p.Ala23Thr). This variant is present in population databases (rs775522019, gnomAD 0.005%). This variant has not been reported in the literature in individuals affected with GINS1-related conditions. ClinVar contains an entry for this variant (Variation ID: 2955428). An algorithm developed to predict the effect of missense changes on protein structure and function (PolyPhen-2) suggests that this variant is likely to be disruptive. In summary, the available evidence is currently insufficient to determine the role of this variant in disease. Therefore, it has been classified as a Variant of Uncertain Significance.

Ambry Genetics
Classification: Uncertain significance. Last evaluated: 2024-09-24. Review status: criteria provided, single submitter. Criteria: Ambry Variant Classification Scheme 2023. Collection method: clinical testing. Allele origin: germline.